The following is an entry in ClinVar:

NM_003183.6(ADAM17):c.2398G>T (p.Val800Phe)

Genes: ADAM17 (ADAM metallopeptidase domain 17; minus strand), IAH1 (isoamyl acetate hydrolyzing esterase 1 (putative); plus strand). Cytogenetic location: 2p25.1.
Variant type: single nucleotide variant.
Coding change: c.2398G>T on transcript NM_003183.6 (MANE Select); coding-DNA position 2398, G replaced by T.
Protein change: p.Val800Phe; replaces valine 800 with phenylalanine.
Molecular consequence: missense variant.
Genome position (GRCh38, 1-based): chr2:9,490,254, C>A on the plus strand (G>T on the coding strand, the complement: ADAM17 is on the minus strand). VCF-style: chr2-9490254-C-A. GRCh37 (hg19) VCF-style: chr2-9630383-C-A.
Other names: short protein forms V800F.
Identifiers: ClinVar variation 843944 (VCV000843944.8), dbSNP rs780850654, ClinGen allele CA1523225.

ClinVar aggregate classification (germline): Uncertain significance (1 of 4 stars; one submission).

Conditions:
Inflammatory skin and bowel disease, neonatal, 1. Identifiers: Orphanet 294023, MedGen C3280501, MONDO:0013693, OMIM 614328.

Allele frequency attached by ClinVar (database versions not stated): gnomAD exomes below 0.00001; ExAC 0.00001.
gnomAD v4.1: 3 of 1,613,012 alleles (0.00019%); highest among the groups gnomAD compares: South Asian, 0.0011%; no homozygotes.

Submission:

Labcorp Genetics (formerly Invitae), Labcorp
Classification: Uncertain significance for Inflammatory skin and bowel disease, neonatal, 1. Last evaluated: 2019-01-28. Review status: criteria provided, single submitter. Criteria: Invitae Variant Classification Sherloc (09022015). Collection method: clinical testing. Allele origin: germline.
Comment: In summary, the available evidence is currently insufficient to determine the role of this variant in disease. Therefore, it has been classified as a Variant of Uncertain Significance. Algorithms developed to predict the effect of missense changes on protein structure and function are either unavailable or do not agree on the potential impact of this missense change (SIFT: "Deleterious"; PolyPhen-2: "Benign"; Align-GVGD: "Class C0"). This variant has not been reported in the literature in individuals with ADAM17-related conditions. This variant is present in population databases (rs780850654, ExAC 0.006%). This sequence change replaces valine with phenylalanine at codon 800 of the ADAM17 protein (p.Val800Phe). The valine residue is moderately conserved and there is a small physicochemical difference between valine and phenylalanine.